The following is an entry in ClinVar:

NM_006231.4(POLE):c.1686+34A>G

Gene: POLE (DNA polymerase epsilon, catalytic subunit; minus strand). Cytogenetic location: 12q24.33.
Variant type: single nucleotide variant.
Coding change: c.1686+34A>G on transcript NM_006231.4 (MANE Select); 34 bases into the intron after coding-DNA position 1686, A replaced by G.
Molecular consequence: intron variant.
Genome position (GRCh38, 1-based): chr12:132,672,593, T>C on the plus strand (A>G on the coding strand, the complement: POLE is on the minus strand). VCF-style: chr12-132672593-T-C. GRCh37 (hg19) VCF-style: chr12-133249179-T-C.
Identifiers: ClinVar variation 3044378 (VCV003044378.3), dbSNP rs141232648, ClinGen allele CA6893881.

ClinVar aggregate classification (germline): Likely benign. Review status: criteria provided, single submitter (1 of 4 stars). 2 submissions from 2 submitters: Likely benign (1). 1 of the submissions does not count toward it. Last evaluated 2024-10-22.

Conditions:
POLE-related disorder. Also called: POLE-related disorders; POLE-related condition.

Allele frequency attached by ClinVar (database versions not stated): gnomAD exomes 0.00019; ExAC 0.00059; 1000 Genomes Project 30x 0.00078; 1000 Genomes Project 0.00080; gnomAD 0.00196; TOPMed 0.00210; ESP Exome Variant Server 0.00308.
gnomAD v4.1: 581 of 1,599,512 alleles (0.036%); highest among the groups gnomAD compares: African/African-American, 0.71%; 3 homozygotes.

Submissions (2):

Blueprint Genetics
Classification: Likely benign. Last evaluated: 2024-10-22. Review status: criteria provided, single submitter. Criteria: ACMG Guidelines, 2015. Collection method: clinical testing. Allele origin: germline.

PreventionGenetics, part of Exact Sciences
Classification: Likely benign for POLE-related condition. Last evaluated: 2024-06-12. Review status: no assertion criteria provided. Collection method: clinical testing. Allele origin: germline. Not counted in ClinVar's aggregate classification.
Comment: This variant is classified as likely benign based on ACMG/AMP sequence variant interpretation guidelines (Richards et al. 2015 PMID: 25741868, with internal and published modifications).